The following is an entry in ClinVar:

NM_017784.5(OSBPL10):c.953G>T (p.Gly318Val)

Gene: OSBPL10 (oxysterol binding protein like 10; minus strand). Cytogenetic location: 3p23.
Variant type: single nucleotide variant.
Coding change: c.953G>T on transcript NM_017784.5 (MANE Select); coding-DNA position 953, G replaced by T.
Protein change: p.Gly318Val; replaces glycine 318 with valine.
Molecular consequence: missense variant.
Genome position (GRCh38, 1-based): chr3:31,733,399, C>A on the plus strand (G>T on the coding strand, the complement: OSBPL10 is on the minus strand). VCF-style: chr3-31733399-C-A. GRCh37 (hg19) VCF-style: chr3-31774891-C-A.
Other names: c.761G>T, p.Gly254Val (NM_001174060.2); short protein forms G254V, G318V.
Identifiers: ClinVar variation 2467248 (VCV002467248.2), dbSNP rs756460016, ClinGen allele CA2295844.

ClinVar aggregate classification (germline): Uncertain significance (1 of 4 stars; one submission).

Allele frequency attached by ClinVar (database versions not stated): ExAC 0.00002.
gnomAD v4.1: 6 of 1,614,104 alleles (0.00037%); highest among the groups gnomAD compares: East Asian, 0.013%; no homozygotes.

Submission:

Ambry Genetics
Classification: Uncertain significance. Last evaluated: 2023-02-22. Review status: criteria provided, single submitter. Criteria: Ambry Variant Classification Scheme 2023. Collection method: clinical testing. Allele origin: germline.
Comment: Does not currently meet published gene-disease clinical validity criteria Based on insufficient or conflicting evidence, the clinical significance of this alteration remains unclear.

Literature cited by the submitters: PubMed 28106320.